The following is an entry in ClinVar:

NM_000257.4(MYH7):c.4041C>G (p.Tyr1347Ter)

Gene: MYH7 (myosin heavy chain 7; minus strand). Cytogenetic location: 14q11.2.
Variant type: single nucleotide variant.
Coding change: c.4041C>G on transcript NM_000257.4 (MANE Select); coding-DNA position 4041, C replaced by G.
Protein change: p.Tyr1347Ter; replaces tyrosine 1347 with a stop codon.
Molecular consequence: nonsense.
Genome position (GRCh38, 1-based): chr14:23,418,338, G>C on the plus strand (C>G on the coding strand, the complement: MYH7 is on the minus strand). VCF-style: chr14-23418338-G-C. GRCh37 (hg19) VCF-style: chr14-23887547-G-C.
Other names: c.4041C>G, p.Tyr1347Ter (NM_001407004.1); short protein forms Y1347*.
Identifiers: ClinVar variation 3344956 (VCV003344956.3).

ClinVar aggregate classification (germline): Uncertain significance. Review status: criteria provided, multiple submitters, no conflicts (2 of 4 stars). 3 submissions from 3 submitters: Uncertain significance (2). 1 of the submissions does not count toward it. Last evaluated 2025-05-01.

Conditions:
MYH7-related disorder. Also called: MYH7-related condition; MYH7-related disease; MYH7-related disorders.
Cardiomyopathy (CMYO). Also called: Cardiomyopathies. Identifiers: Orphanet 167848, MedGen C0878544, MONDO:0004994, HP:0001638. Inheritance: Various modes of inheritance.

Submissions (3):

GeneDx
Classification: Uncertain significance. Last evaluated: 2025-05-01. Review status: criteria provided, single submitter. Criteria: GeneDx Variant Classification Process June 2021. Collection method: clinical testing. Allele origin: germline. Affected: yes.
Comment: Not observed at significant frequency in large population cohorts (gnomAD); Nonsense variant predicted to result in protein truncation or nonsense mediated decay in a gene or region of a gene for which loss of function is not a well-established mechanism of disease; Has not been previously published as pathogenic or benign to our knowledge

All of Us Research Program, National Institutes of Health
Classification: Uncertain significance for Cardiomyopathy. Last evaluated: 2024-02-22. Review status: criteria provided, single submitter. Criteria: ACMG Guidelines, 2015. Collection method: clinical testing. Allele origin: germline. Inheritance: Autosomal dominant inheritance. Observed: 1 variant allele, 1 heterozygote.
Comment: This variant changes 1 nucleotide in exon 30 of the MYH7 gene, creating a premature translation stop signal. This variant is expected to result in an absent or non-functional protein product. To our knowledge, this variant has not been reported in individuals affected with MYH7-related disorders in the literature. This variant has not been identified in the general population by the Genome Aggregation Database (gnomAD). Clinical relevance of loss-of-function MYH7 truncation variants in autosomal dominant cardiovascular disorders is not clearly established. The available evidence is insufficient to determine the role of this variant in disease conclusively. Therefore, this variant is classified as a Variant of Uncertain Significance.

This study involves interpretation of variants in research participants for the purpose of population health screening. Participant phenotype was not available at the time of variant classification. Additional details can be found in publication PMID: 35346344, PMCID: PMC8962531

PreventionGenetics, part of Exact Sciences
Classification: Uncertain significance for MYH7-related condition. Last evaluated: 2024-08-23. Review status: no assertion criteria provided. Collection method: clinical testing. Allele origin: germline. Not counted in ClinVar's aggregate classification.
Comment: The MYH7 c.4041C>G variant is predicted to result in premature protein termination (p.Tyr1347*). To our knowledge, this variant has not been reported in the literature or in a large population database, indicating this variant is rare. Loss of function is not an established mechanism of MYH7-related disease. Although we suspect that this variant may be pathogenic, at this time, the clinical significance of this variant is uncertain due to the absence of conclusive functional and genetic evidence.